The following is an entry in ClinVar:

ClinVar aggregate classification (germline): Conflicting classifications of pathogenicity. Review status: criteria provided, conflicting classifications (1 of 4 stars). 2 submissions from 2 submitters: Uncertain significance (1); Likely benign (1). Last evaluated 2024-05-20.

Conditions:
Autosomal recessive polycystic kidney disease (ARPKD). Also called: AR polycystic kidney disease. Identifiers: Orphanet 731, Orphanet 8378, MedGen C0085548, MeSH D017044, MONDO:0009889.

Submissions (2):

GeneDx
Classification: Uncertain significance. Last evaluated: 2024-05-20. Review status: criteria provided, single submitter. Criteria: GeneDx Variant Classification Process June 2021. Collection method: clinical testing. Allele origin: germline. Affected: yes.
Comment: Not observed at significant frequency in large population cohorts (gnomAD); Has not been previously published as pathogenic or benign to our knowledge; In silico analysis is inconclusive as to whether the variant alters gene splicing. In the absence of RNA/functional studies, the actual effect of this sequence change is unknown.

Labcorp Genetics (formerly Invitae), Labcorp
Classification: Likely benign for Autosomal recessive polycystic kidney disease. Last evaluated: 2021-04-16. Review status: criteria provided, single submitter. Criteria: Invitae Variant Classification Sherloc (09022015). Collection method: clinical testing. Allele origin: germline.

NM_138694.4(PKHD1):c.3342C>T (p.Ser1114=)

Gene: PKHD1 (PKHD1 ciliary IPT domain containing fibrocystin/polyductin; minus strand). Cytogenetic location: 6p12.2.
Variant type: single nucleotide variant.
Coding change: c.3342C>T on transcript NM_138694.4 (MANE Select); coding-DNA position 3342, C replaced by T.
Protein change: p.Ser1114=; no amino-acid change (serine 1114 retained).
Molecular consequence: synonymous variant.
Genome position (GRCh38, 1-based): chr6:52,033,052, G>A on the plus strand (C>T on the coding strand, the complement: PKHD1 is on the minus strand). VCF-style: chr6-52033052-G-A. GRCh37 (hg19) VCF-style: chr6-51897850-G-A.
Other names: c.3342C>T (NM_138694.3); c.3342C>T, p.Ser1114= (NM_170724.3).
Identifiers: ClinVar variation 1551429 (VCV001551429.9), dbSNP rs2128163307, ClinGen allele CA450419862.